The following is an entry in ClinVar:

ClinVar aggregate classification (germline): Conflicting classifications of pathogenicity. Review status: criteria provided, conflicting classifications (1 of 4 stars). 2 submissions from 2 submitters: Uncertain significance (1); Likely benign (1). Last evaluated 2024-08-06.

Conditions:
Long QT syndrome (LQTS). Identifiers: MedGen C0023976, MeSH D008133, MONDO:0002442. Disease mechanism: loss of function. Inheritance: Various modes of inheritance.
Cardiovascular phenotype. Identifiers: MedGen CN230736.

Submissions (2):

Ambry Genetics
Classification: Uncertain significance for Cardiovascular phenotype. Last evaluated: 2024-08-06. Review status: criteria provided, single submitter. Criteria: Ambry Variant Classification Scheme 2023. Collection method: clinical testing. Allele origin: germline.
Comment: The c.1450C>T variant (also known as p.L484L), located in coding exon 14 of the ANK2 gene, results from a C to T substitution at nucleotide position 1450. This nucleotide substitution does not change the amino acid at codon 484. This nucleotide position is well conserved in available vertebrate species. In silico splice site analysis for this alteration is inconclusive. Based on the available evidence, the clinical significance of this variant remains unclear.

Labcorp Genetics (formerly Invitae), Labcorp
Classification: Likely benign for Long QT syndrome. Last evaluated: 2022-10-17. Review status: criteria provided, single submitter. Criteria: Invitae Variant Classification Sherloc (09022015). Collection method: clinical testing. Allele origin: germline.

NM_001148.6(ANK2):c.1450C>T (p.Leu484=)

Gene: ANK2 (ankyrin 2; plus strand). Cytogenetic location: 4q26.
Variant type: single nucleotide variant.
Coding change: c.1450C>T on transcript NM_001148.6 (MANE Select); coding-DNA position 1450, C replaced by T.
Protein change: p.Leu484=; no amino-acid change (leucine 484 retained).
Molecular consequence: synonymous variant.
Genome position (GRCh38, 1-based): chr4:113,264,960, C>T. VCF-style: chr4-113264960-C-T. GRCh37 (hg19) VCF-style: chr4-114186116-C-T.
Other names: c.1387C>T, p.Leu463= (NM_001127493.3, NM_001354239.2, NM_001354243.2 and 14 more transcripts); c.1450C>T, p.Leu484= (NM_001354225.2, NM_001354228.2, NM_001354232.2 and 8 more transcripts); c.1495C>T, p.Leu499= (NM_001354230.2, NM_001354231.2, NM_001354237.2 and 5 more transcripts); c.1363C>T, p.Leu455= (NM_001354249.2, NM_001354260.2, NM_001354264.2 and 13 more transcripts); c.1408C>T, p.Leu470= (NM_001354261.2, NM_001386147.1, NM_001386160.1); c.1240C>T, p.Leu414= (NM_001354269.3); c.1252C>T, p.Leu418= (NM_001354273.2); c.1165C>T, p.Leu389= (NM_001354277.2, NM_001386157.1, NM_001386158.1); and 4 more.
Identifiers: ClinVar variation 1936040 (VCV001936040.6), dbSNP rs2493689253, ClinGen allele CA440838547.